The following is an entry in ClinVar:

NM_001458.5(FLNC):c.6397C>T (p.Arg2133Cys)

Genes: FLNC (filamin C; plus strand), FLNC-AS1 (FLNC antisense RNA 1; minus strand). Cytogenetic location: 7q32.1.
Variant type: single nucleotide variant.
Coding change: c.6397C>T on transcript NM_001458.5 (MANE Select); coding-DNA position 6397, C replaced by T.
Protein change: p.Arg2133Cys; replaces arginine 2133 with cysteine.
Molecular consequence: missense variant.
Genome position (GRCh38, 1-based): chr7:128,853,750, C>T. VCF-style: chr7-128853750-C-T. GRCh37 (hg19) VCF-style: chr7-128493804-C-T.
Other names: c.6298C>T, p.Arg2100Cys (NM_001127487.2); short protein forms R2133C, R2100C.
Identifiers: ClinVar variation 539432 (VCV000539432.11), dbSNP rs1186464414, ClinGen allele CA369212457.

ClinVar aggregate classification (germline): Conflicting classifications of pathogenicity. Review status: criteria provided, conflicting classifications (1 of 4 stars). 4 submissions from 4 submitters: Likely pathogenic (1); Uncertain significance (3). Last evaluated 2026-04-16.

Conditions:
FLNC-related disorder. Also called: FLNC-related disorders; FLNC-related condition.
Cardiovascular phenotype. Identifiers: MedGen CN230736.
Myofibrillar myopathy 5. Also called: Filaminopathy (type); FILAMINOPATHY, AUTOSOMAL DOMINANT. Identifiers: Orphanet 171445, MedGen C1836050, MONDO:0012289, OMIM 609524.
Distal myopathy with posterior leg and anterior hand involvement. Also called: WILLIAMS DISTAL MYOPATHY. Identifiers: Orphanet 63273, MedGen C3279722, MONDO:0013550, OMIM 614065.
Hypertrophic cardiomyopathy 26. Also called: Cardiomyopathy, familial hypertrophic, 26. Identifiers: Orphanet 75249, MedGen C4310749, MONDO:0014883, OMIM 617047.

Allele frequency attached by ClinVar (database versions not stated): gnomAD exomes below 0.00001.

Submissions (4):

GeneDx
Classification: Uncertain significance. Last evaluated: 2026-04-16. Review status: criteria provided, single submitter. Criteria: GeneDx Variant Classification Process June 2021. Collection method: clinical testing. Allele origin: germline.
Comment: Not observed at significant frequency in large population cohorts (gnomAD); In silico analysis supports that this missense variant has a deleterious effect on protein structure/function; This variant is associated with the following publications: (PMID: 32112656, 35838873, 36264615, 30411535)

Labcorp Genetics (formerly Invitae), Labcorp
Classification: Uncertain significance for Distal myopathy with posterior leg and anterior hand involvement; Myofibrillar myopathy 5; Hypertrophic cardiomyopathy 26. Last evaluated: 2025-07-08. Review status: criteria provided, single submitter. Criteria: Invitae Variant Classification Sherloc (09022015). Collection method: clinical testing. Allele origin: germline.
Comment: This sequence change replaces arginine, which is basic and polar, with cysteine, which is neutral and slightly polar, at codon 2133 of the FLNC protein (p.Arg2133Cys). This variant is not present in population databases (gnomAD no frequency). This missense change has been observed in individuals with FLNC-related conditions (PMID: 30411535, 35838873; internal data). ClinVar contains an entry for this variant (Variation ID: 539432). Invitae Evidence Modeling of protein sequence and biophysical properties (such as structural, functional, and spatial information, amino acid conservation, physicochemical variation, residue mobility, and thermodynamic stability) has been performed for this missense variant. However, the output from this modeling did not meet the statistical confidence thresholds required to predict the impact of this variant on FLNC protein function. This variant disrupts the p.Arg2133 amino acid residue in FLNC. Other variant(s) that disrupt this residue have been observed in individuals with FLNC-related conditions (PMID: 25351925, 28356264), which suggests that this may be a clinically significant amino acid residue. In summary, the available evidence is currently insufficient to determine the role of this variant in disease. Therefore, it has been classified as a Variant of Uncertain Significance.

Blueprint Genetics
Classification: Likely pathogenic for FLNC-related disorders. Last evaluated: 2023-03-01. Review status: criteria provided, single submitter. Criteria: ACMG Guidelines, 2015. Collection method: clinical testing. Allele origin: germline. Affected: yes. Observed: 4 variant alleles.

Ambry Genetics
Classification: Uncertain significance for Cardiovascular phenotype. Last evaluated: 2022-08-05. Review status: criteria provided, single submitter. Criteria: Ambry Variant Classification Scheme 2023. Collection method: clinical testing. Allele origin: germline.
Comment: The p.R2133C variant (also known as c.6397C>T), located in coding exon 39 of the FLNC gene, results from a C to T substitution at nucleotide position 6397. The arginine at codon 2133 is replaced by cysteine, an amino acid with highly dissimilar properties. This alteration has been reported in a subject with hypertrophic cardiomyopathy (HCM) (Cui H et al. Mol Genet Genomic Med, 2018 11;6:1104-1113). This amino acid position is highly conserved in available vertebrate species. In addition, this alteration is predicted to be deleterious by in silico analysis. Since supporting evidence is limited at this time, the clinical significance of this alteration remains unclear.

Literature cited by the submitters: PubMed 30411535 (cited by Labcorp Genetics (formerly Invitae), Labcorp and Ambry Genetics); PubMed 35838873 (cited by Labcorp Genetics (formerly Invitae), Labcorp); PubMed 25351925 (cited by Labcorp Genetics (formerly Invitae), Labcorp); PubMed 28356264 (cited by Labcorp Genetics (formerly Invitae), Labcorp).